The following is an entry in ClinVar:

ClinVar aggregate classification (germline): Uncertain significance (1 of 4 stars; one submission).

Submission:

GeneDx
Classification: Uncertain significance. Last evaluated: 2025-03-28. Review status: criteria provided, single submitter. Criteria: GeneDx Variant Classification Process June 2021. Collection method: clinical testing. Allele origin: germline. Affected: yes.
Comment: Not observed at significant frequency in large population cohorts (gnomAD); In silico analysis supports that this missense variant has a deleterious effect on protein structure/function; Has not been previously published as pathogenic or benign to our knowledge

NM_003120.3(SPI1):c.511C>A (p.Arg171Ser)

Gene: SPI1 (Spi-1 proto-oncogene; minus strand). Cytogenetic location: 11p11.2.
Variant type: single nucleotide variant.
Coding change: c.511C>A on transcript NM_003120.3 (MANE Select); coding-DNA position 511, C replaced by A.
Protein change: p.Arg171Ser; replaces arginine 171 with serine.
Molecular consequence: missense variant.
Genome position (GRCh38, 1-based): chr11:47,355,529, G>T on the plus strand (C>A on the coding strand, the complement: SPI1 is on the minus strand). VCF-style: chr11-47355529-G-T. GRCh37 (hg19) VCF-style: chr11-47377080-G-T.
Other names: c.514C>A, p.Arg172Ser (NM_001080547.2); short protein forms R171S, R172S.
Identifiers: ClinVar variation 4087955 (VCV004087955.1).
Genomic context (GRCh38, chr11:47,355,529, plus strand): 5'-ACCAGATGCTGTCCTTCATGTCGCCGCTGCGGAGCAGGTCCAACAGGAACTGGTACAGGC[G>T]GATCTTCTTCTTGCTGCCTGCGGGGGGGAGGGCCCGGTGGGAGGGGGCCCGGGGCCCACA-3'
Protein context (NP_003111.2, residues 161-181): PGETGSKKKI[Arg171Ser]LYQFLLDLLR